The following is an entry in ClinVar:

NM_000089.4(COL1A2):c.836C>G (p.Ala279Gly)

Gene: COL1A2 (collagen type I alpha 2 chain; plus strand). Cytogenetic location: 7q21.3.
Variant type: single nucleotide variant.
Coding change: c.836C>G on transcript NM_000089.4 (MANE Select); coding-DNA position 836, C replaced by G.
Protein change: p.Ala279Gly; replaces alanine 279 with glycine.
Molecular consequence: missense variant.
Genome position (GRCh38, 1-based): chr7:94,409,365, C>G. VCF-style: chr7-94409365-C-G. GRCh37 (hg19) VCF-style: chr7-94038677-C-G.
Other names: short protein forms A279G.
Identifiers: ClinVar variation 1720399 (VCV001720399.6), dbSNP rs1381053652, ClinGen allele CA368220621.

ClinVar aggregate classification (germline): Uncertain significance (1 of 4 stars; one submission).

Conditions:
Ehlers-Danlos syndrome, classic type, 1 (EDSCL1). Also called: EDS I; Ehlers-Danlos syndrome, type 1; EHLERS-DANLOS SYNDROME, GRAVIS TYPE; EHLERS-DANLOS SYNDROME, SEVERE CLASSIC TYPE; Ehlers-Danlos Syndrome, Classic Type, COL5A1-Related. Identifiers: MedGen C0268335, MONDO:0019567, OMIM 130000.
Osteogenesis imperfecta type I (OI1). Also called: Osteogenesis imperfecta type 1; Lobstein's Disease; OI, TYPE I; OSTEOGENESIS IMPERFECTA TARDA; OSTEOGENESIS IMPERFECTA WITH BLUE SCLERAE; Lobstein disease. Identifiers: Orphanet 216796, Orphanet 666, MedGen C0023931, MONDO:0008146, OMIM 166200. Disease mechanism: loss of function.

Allele frequency attached by ClinVar (database versions not stated): gnomAD exomes below 0.00001; gnomAD 0.00001; TOPMed below 0.00001.

Submission:

Labcorp Genetics (formerly Invitae), Labcorp
Classification: Uncertain significance for Osteogenesis imperfecta type I; Ehlers-Danlos syndrome, classic type, 1. Last evaluated: 2022-09-26. Review status: criteria provided, single submitter. Criteria: Invitae Variant Classification Sherloc (09022015). Collection method: clinical testing. Allele origin: germline.
Comment: This sequence change replaces alanine, which is neutral and non-polar, with glycine, which is neutral and non-polar, at codon 279 of the COL1A2 protein (p.Ala279Gly). This variant is not present in population databases (gnomAD no frequency). This variant has not been reported in the literature in individuals affected with COL1A2-related conditions. Advanced modeling of protein sequence and biophysical properties (such as structural, functional, and spatial information, amino acid conservation, physicochemical variation, residue mobility, and thermodynamic stability) performed at Invitae indicates that this missense variant is not expected to disrupt COL1A2 protein function. In summary, the available evidence is currently insufficient to determine the role of this variant in disease. Therefore, it has been classified as a Variant of Uncertain Significance.